The following is an entry in ClinVar:

ClinVar aggregate classification (germline): Uncertain significance (1 of 4 stars; one submission).

Submission:

GeneDx
Classification: Uncertain significance. Last evaluated: 2024-08-01. Review status: criteria provided, single submitter. Criteria: GeneDx Variant Classification Process June 2021. Collection method: clinical testing. Allele origin: germline. Affected: yes.
Comment: Not observed at significant frequency in large population cohorts (gnomAD); In silico analysis indicates that this missense variant does not alter protein structure/function; Has not been previously published as pathogenic or benign to our knowledge

NM_024496.4(IRF2BPL):c.2036T>C (p.Leu679Pro)

Gene: IRF2BPL (interferon regulatory factor 2 binding protein like; minus strand). Cytogenetic location: 14q24.3.
Variant type: single nucleotide variant.
Coding change: c.2036T>C on transcript NM_024496.4 (MANE Select); coding-DNA position 2036, T replaced by C.
Protein change: p.Leu679Pro; replaces leucine 679 with proline.
Molecular consequence: missense variant.
Genome position (GRCh38, 1-based): chr14:77,025,757, A>G on the plus strand (T>C on the coding strand, the complement: IRF2BPL is on the minus strand). VCF-style: chr14-77025757-A-G. GRCh37 (hg19) VCF-style: chr14-77492100-A-G.
Other names: short protein forms L679P.
Identifiers: ClinVar variation 3603059 (VCV003603059.1).
Genomic context (GRCh38, chr14:77,025,757, plus strand): 5'-GGGTGCACTTGGTCCATGCCCGGGTGGGCGCTAGGCGGCGGGGGCGCCACCTGTAAATTC[A>G]GGTCCCCGTTACGTGATGCCAAGCGGCGCTGCCCCGGCACGGAGGCCGGCGAGACTGGGC-3'
Protein context (NP_078772.1, residues 669-689): QRRLASRNGD[Leu679Pro]NLQVAPPPPS